The following is an entry in ClinVar:

NM_198253.3(TERT):c.2011C>T (p.Arg671Trp)

Gene: TERT (telomerase reverse transcriptase; minus strand). Cytogenetic location: 5p15.33.
Variant type: single nucleotide variant.
Coding change: c.2011C>T on transcript NM_198253.3 (MANE Select); coding-DNA position 2011, C replaced by T.
Protein change: p.Arg671Trp; replaces arginine 671 with tryptophan.
Molecular consequence: missense variant. On other transcripts: non-coding transcript variant (2).
Genome position (GRCh38, 1-based): chr5:1,279,410, G>A on the plus strand (C>T on the coding strand, the complement: TERT is on the minus strand). VCF-style: chr5-1279410-G-A. GRCh37 (hg19) VCF-style: chr5-1279525-G-A.
Other names: c.2011C>T, p.Arg671Trp (NM_001193376.3); short protein forms R671W.
Identifiers: ClinVar variation 410693 (VCV000410693.69), dbSNP rs1060503011, ClinGen allele CA16611699.

ClinVar aggregate classification (germline): Pathogenic/Likely pathogenic. Review status: criteria provided, multiple submitters, no conflicts (2 of 4 stars). 10 submissions from 10 submitters: Pathogenic (1); Likely pathogenic (5). 4 of the submissions do not count toward it. Last evaluated 2025-10-03.

Conditions:
Autosomal recessive dyskeratosis congenita 4. Identifiers: MedGen C3151444, MONDO:0027353.
Hoyeraal-Hreidarsson syndrome (HHS). Also called: CEREBELLAR HYPOPLASIA WITH PANCYTOPENIA. Identifiers: Orphanet 3322, MedGen C1846142, MONDO:0018045.
TERT-related disorder. Also called: TERT-related disorders; TERT-related condition.
Idiopathic Pulmonary Fibrosis. Also called: Idiopathic fibrosing alveolitis, chronic form; idiopathic fibrosing alveolitis. Identifiers: Orphanet 2032, MedGen C1800706, MeSH D054990, MONDO:0800504.
Dyskeratosis congenita, autosomal dominant 2. Identifiers: MedGen C3151443, MONDO:0013521, OMIM 613989.
Telomere syndrome. Identifiers: MedGen C4727832, MONDO:0100137.
Pulmonary fibrosis. Identifiers: MedGen C0034069, MONDO:0002771, HP:0002206.
Dyskeratosis congenita. Identifiers: Orphanet 1775, MedGen C0265965, MONDO:0015780.

Allele frequency attached by ClinVar (database versions not stated): TOPMed below 0.00001; gnomAD 0.00001; gnomAD exomes 0.00001.
gnomAD v4.1: 8 of 1,552,250 alleles (0.00052%); highest among the groups gnomAD compares: African/African-American, 0.0027%; no homozygotes.

Submissions (10):

Labcorp Genetics (formerly Invitae), Labcorp
Classification: Likely pathogenic for Dyskeratosis congenita, autosomal dominant 2; Idiopathic Pulmonary Fibrosis. Last evaluated: 2025-10-03. Review status: criteria provided, single submitter. Criteria: Invitae Variant Classification Sherloc (09022015). Collection method: clinical testing. Allele origin: germline.
Comment: This sequence change replaces arginine, which is basic and polar, with tryptophan, which is neutral and slightly polar, at codon 671 of the TERT protein (p.Arg671Trp). The frequency data for this variant in the population databases is considered unreliable, as metrics indicate poor data quality at this position in the gnomAD database. This missense change has been observed in individuals with autosomal recessive Hoyeraal Hreidarsson syndrome and autosomal dominant pulmonary fibrosis (PMID: 20502709, 34890115, 35078193). ClinVar contains an entry for this variant (Variation ID: 410693). Invitae Evidence Modeling of protein sequence and biophysical properties (such as structural, functional, and spatial information, amino acid conservation, physicochemical variation, residue mobility, and thermodynamic stability) indicates that this missense variant is expected to disrupt TERT protein function with a positive predictive value of 95%. Experimental studies have shown that this missense change affects TERT function (PMID: 20502709). In summary, the currently available evidence indicates that the variant is pathogenic, but additional data are needed to prove that conclusively. Therefore, this variant has been classified as Likely Pathogenic.

Mayo Clinic Laboratories, Mayo Clinic
Classification: Likely pathogenic. Last evaluated: 2025-09-18. Review status: criteria provided, single submitter. Criteria: ACMG Guidelines, 2015. Collection method: clinical testing. Allele origin: germline. Observed: 2 variant alleles.
Comment: PP1, PP2, PM2_supporting, PM3_supporting, PS3_supporting, PS4

Ambry Genetics
Classification: Likely pathogenic for Dyskeratosis congenita. Last evaluated: 2025-05-10. Review status: criteria provided, single submitter. Criteria: Ambry Variant Classification Scheme 2023. Collection method: clinical testing. Allele origin: germline.
Comment: The p.R671W variant (also known as c.2011C>T), located in coding exon 5 of the TERT gene, results from a C to T substitution at nucleotide position 2011. The arginine at codon 671 is replaced by tryptophan, an amino acid with dissimilar properties. This variant has been identified in the heterozygous or homozygous state in individuals with features consistent with TERT-related disorder (Diaz de Leon A et al. PLoS One, 2010 May;5:e10680; Newton CA et al. Eur Respir J, 2016 Dec;48:1710-1720; Snetselaar R et al. PLoS One, 2017 Dec;12:e0189467; Arias-Salgado EG et al. Orphanet J Rare Dis, 2019 Apr;14:82; &Ccedil;epni E et al. Am J Med Genet A, 2022 Apr;188:1226-1232; Manali ED et al. Respiration, 2022 Jan;101:531-543). This amino acid position is poorly conserved in available vertebrate species. In addition, this alteration is predicted to be deleterious by in silico analysis. This variant is considered to be rare based on population cohorts in the Genome Aggregation Database (gnomAD). Based on the majority of available evidence to date, this variant is likely to be pathogenic.

First Genomix Gene Laboratory, Genetic Diagnostics Department
Classification: Pathogenic for Dyskeratosis congenita, autosomal dominant 2. Last evaluated: 2025-05-07. Review status: criteria provided, single submitter. Criteria: ACMG Guidelines, 2015. Collection method: clinical testing. Allele origin: germline. Inheritance: Autosomal recessive inheritance. Affected: no. Observed: 1 variant allele.

GeneDx
Classification: Likely pathogenic. Last evaluated: 2025-04-22. Review status: criteria provided, single submitter. Criteria: GeneDx Variant Classification Process June 2021. Collection method: clinical testing. Allele origin: germline.
Comment: Not observed at significant frequency in large population cohorts (gnomAD); In silico analysis supports that this missense variant has a deleterious effect on protein structure/function; This variant is associated with the following publications: (PMID: 33006015, 35078193, 20502709, 30995915, 34890115, 23538340, 36028256, 20044353, 17785587, 23335200)

Blueprint Genetics
Classification: Likely pathogenic for TERT-related disorders. Last evaluated: 2024-09-18. Review status: criteria provided, single submitter. Criteria: ACMG Guidelines, 2015. Collection method: clinical testing. Allele origin: germline. Affected: yes. Observed: 2 variant alleles.

The Telomere Center at Johns Hopkins, Johns Hopkins University School of Medicine
Classification: Pathogenic for Telomere syndrome. Last evaluated: 2022-08-01. Review status: no assertion criteria provided. Collection method: clinical testing. Allele origin: germline. Affected: yes. Observed: 2 variant alleles. Not counted in ClinVar's aggregate classification.

OMIM
Classification: Pathogenic for DYSKERATOSIS CONGENITA, AUTOSOMAL RECESSIVE 4. Last evaluated: 2022-07-07. Review status: no assertion criteria provided. Collection method: literature only. Allele origin: germline. Not counted in ClinVar's aggregate classification.

Garcia Pulmonary Genetics Research Laboratory, Columbia University Irving Medical Center
Classification: Likely risk allele for Pulmonary fibrosis. Last evaluated: 2022-06-09. Review status: no assertion criteria provided. Collection method: research. Allele origin: germline. Affected: yes. Not counted in ClinVar's aggregate classification.
Comment: Leukocyte telomere length (by qPCR) less than 10th percentile age-adjusted

Genetic Diseases Diagnostic Center, Koc University Hospital
Classification: Pathogenic for Autosomal recessive dyskeratosis congenita 4; Hoyeraal-Hreidarsson syndrome. Last evaluated: 2021-10-02. Review status: no assertion criteria provided. Collection method: clinical testing. Allele origin: germline. Inheritance: Autosomal recessive inheritance. Affected: yes. Observed: 1 heterozygote, 1 homozygote. Not counted in ClinVar's aggregate classification.
Comment: The Arg671Trp variant in TERT was previously reported in heterozygous state in two kindred with familial pulmonary fibrosis and shown to reduce in vitro telomerase activity (Diaz de Leon, 2010). Identified variant was neither reported in 1000 Genomes Project, GnomAD (including ExAC), CentoMD nor ESP databases and predicted to be deleterious by SIFT and possibly damaging by Polyphen-2 prediction tools; ClinVar classed as a variant of unknown significance (VUS). The p.Arg671Trp variant impedes the second amino acid of the motif 3b that is highly conserved among RTs, most likely affecting the template realignment during RNA/DNA duplex formation, thus the telomere repeat addition rate and processivity (Xie, 2010). Conservation of the arginine at this position among species suggests its necessity for proper telomerase function. Concordant with the cases published up-to-date, localization of this homozygous mutation in a highly conserved residue within TERT may explain the observed severe clinical phenotype (Marrone, 2007; Gramatges, 2013; Vogiatzi, 2013).

Literature cited by the submitters: PubMed 20502709 (cited by 4 submitters); PubMed 34890115 (cited by 4 submitters); PubMed 35078193 (cited by Labcorp Genetics (formerly Invitae), Labcorp and Ambry Genetics); PubMed 27540018 (cited by Mayo Clinic Laboratories, Mayo Clinic and Ambry Genetics); PubMed 28192371 (cited by Mayo Clinic Laboratories, Mayo Clinic and Ambry Genetics); PubMed 29281671 (cited by Mayo Clinic Laboratories, Mayo Clinic and Ambry Genetics); PubMed 30995915 (cited by Mayo Clinic Laboratories, Mayo Clinic and Ambry Genetics); PubMed 33214205 (cited by Mayo Clinic Laboratories, Mayo Clinic and Ambry Genetics); PubMed 36028256 (cited by Mayo Clinic Laboratories, Mayo Clinic); PubMed 39279213 (cited by Mayo Clinic Laboratories, Mayo Clinic); DOI 10.1093/nar/gkp1198 (cited by Genetic Diseases Diagnostic Center, Koc University Hospital); DOI 10.1182/blood-2006-12-062851 (cited by Genetic Diseases Diagnostic Center, Koc University Hospital); DOI 10.1182/blood-2012-08-447755 (cited by Genetic Diseases Diagnostic Center, Koc University Hospital); DOI 10.1002/pbc.24389 (cited by Genetic Diseases Diagnostic Center, Koc University Hospital).